The following is an entry in ClinVar:

ClinVar aggregate classification (germline): Uncertain significance (1 of 4 stars; one submission).

Allele frequency attached by ClinVar (database versions not stated): TOPMed below 0.00001; gnomAD 0.00001; ExAC 0.00003.
gnomAD v4.1: 8 of 1,584,066 alleles (0.00051%); highest among the groups gnomAD compares: South Asian, 0.0046%; no homozygotes.

Submission:

Laboratory for Molecular Medicine, Mass General Brigham Personalized Medicine
Classification: Uncertain significance. Last evaluated: 2016-06-02. Review status: criteria provided, single submitter. Criteria: LMM Criteria. Collection method: clinical testing. Allele origin: germline. Observed: 2 variant alleles.
Comment: The p.Glu20Asp variant in MITF has not been previously reported in individuals w ith hearing loss or Waardenburg syndrome. This variant has been identified in 1 /14988 European chromosomes by the Exome Aggregation Consortium (ExAC; dbSNP rs780642512). Computational prediction tools and co nservation analyses do not provide strong support for or against an impact to th e protein. In summary, the clinical significance of the p.Glu20Asp variant is un certain.

NM_001354604.2(MITF):c.60G>T (p.Glu20Asp)

Genes: MITF (melanocyte inducing transcription factor; plus strand), LOC107988042 (MITF-A promoter region; plus strand). Cytogenetic location: 3p13.
Variant type: single nucleotide variant.
Coding change: c.60G>T on transcript NM_001354604.2 (MANE Select); coding-DNA position 60, G replaced by T.
Protein change: p.Glu20Asp; replaces glutamic acid 20 with aspartic acid.
Molecular consequence: missense variant. On other transcripts: 5 prime UTR variant (2).
Genome position (GRCh38, 1-based): chr3:69,739,657, G>T. VCF-style: chr3-69739657-G-T. GRCh37 (hg19) VCF-style: chr3-69788808-G-T.
Other names: c.60G>T, p.Glu20Asp (NM_001354605.2, NM_001354606.2, NM_198159.3); c.-121G>T (NM_001354607.2); c.-136G>T (NM_001354608.2); short protein forms E20D.
Identifiers: ClinVar variation 505050 (VCV000505050.4), dbSNP rs780642512, ClinGen allele CA2490169.